The following is an entry in ClinVar:

ClinVar aggregate classification (germline): Uncertain significance (1 of 4 stars; one submission).

Submission:

Labcorp Genetics (formerly Invitae), Labcorp
Classification: Uncertain significance. Last evaluated: 2020-12-02. Review status: criteria provided, single submitter. Criteria: Invitae Variant Classification Sherloc (09022015). Collection method: clinical testing. Allele origin: germline.
Comment: In summary, the available evidence is currently insufficient to determine the role of this variant in disease. Therefore, it has been classified as a Variant of Uncertain Significance. Algorithms developed to predict the effect of missense changes on protein structure and function output the following: SIFT: "Tolerated"; PolyPhen-2: "Benign"; Align-GVGD: "Class C0". The leucine amino acid residue is found in multiple mammalian species, suggesting that this missense change does not adversely affect protein function. These predictions have not been confirmed by published functional studies and their clinical significance is uncertain. This variant has not been reported in the literature in individuals with TOP2B-related conditions. This variant is not present in population databases (ExAC no frequency). This sequence change replaces isoleucine with leucine at codon 1397 of the TOP2B protein (p.Ile1397Leu). The isoleucine residue is weakly conserved and there is a small physicochemical difference between isoleucine and leucine.

NM_001330700.2(TOP2B):c.4204A>T (p.Ile1402Leu)

Gene: TOP2B (DNA topoisomerase II beta; minus strand). Cytogenetic location: 3p24.2.
Variant type: single nucleotide variant.
Coding change: c.4204A>T on transcript NM_001330700.2 (MANE Select); coding-DNA position 4204, A replaced by T.
Protein change: p.Ile1402Leu; replaces isoleucine 1402 with leucine.
Molecular consequence: missense variant.
Genome position (GRCh38, 1-based): chr3:25,607,265, T>A on the plus strand (A>T on the coding strand, the complement: TOP2B is on the minus strand). VCF-style: chr3-25607265-T-A. GRCh37 (hg19) VCF-style: chr3-25648756-T-A.
Other names: c.4189A>T, p.Ile1397Leu (NM_001068.3); short protein forms I1397L, I1402L.
Identifiers: ClinVar variation 1394455 (VCV001394455.8), dbSNP rs1194552177, ClinGen allele CA351892455.
Genomic context (GRCh38, chr3:25,607,265, plus strand): 5'-TATATTCATCTTTATCTAACCCATCTGAAGGAACAAATTCATCTTCCCCATCATTTGTTA[T>A]GGGAGATGCTTTAACTTTCAATTCCTCTAAATCATTATTGTCATCATCATCATCATCAGC-3'
Protein context (NP_001317629.1, residues 1392-1412): LEELKVKASP[Ile1402Leu]TNDGEDEFVP